The following is an entry in ClinVar:

NM_000256.3(MYBPC3):c.1363C>T (p.Leu455Phe)

Gene: MYBPC3 (myosin binding protein C3; minus strand). Cytogenetic location: 11p11.2.
Variant type: single nucleotide variant.
Coding change: c.1363C>T on transcript NM_000256.3 (MANE Select); coding-DNA position 1363, C replaced by T.
Protein change: p.Leu455Phe; replaces leucine 455 with phenylalanine.
Molecular consequence: missense variant.
Genome position (GRCh38, 1-based): chr11:47,342,924, G>A on the plus strand (C>T on the coding strand, the complement: MYBPC3 is on the minus strand). VCF-style: chr11-47342924-G-A. GRCh37 (hg19) VCF-style: chr11-47364475-G-A.
Other names: short protein forms L455F.
Identifiers: ClinVar variation 802675 (VCV000802675.18), dbSNP rs747686377, ClinGen allele CA078049.

ClinVar aggregate classification (germline): Uncertain significance. Review status: criteria provided, multiple submitters, no conflicts (2 of 4 stars). 6 submissions from 6 submitters: Uncertain significance (6). Last evaluated 2025-11-16.

Conditions:
Hypertrophic cardiomyopathy 4. Also called: Familial hypertrophic cardiomyopathy 4. Identifiers: MedGen C1861862, MONDO:0007268, OMIM 115197.
Hypertrophic cardiomyopathy. Also called: HYPERTROPHIC MYOCARDIOPATHY. Identifiers: Orphanet 217569, MedGen C0007194, MeSH D002312, MONDO:0005045, HP:0001639.
Left ventricular noncompaction 10 (LVNC10). Identifiers: Orphanet 154, Orphanet 54260, MedGen C3715165, MONDO:0014163, OMIM 615396.
Cardiovascular phenotype. Identifiers: MedGen CN230736.
Cardiomyopathy (CMYO). Also called: Cardiomyopathies. Identifiers: Orphanet 167848, MedGen C0878544, MONDO:0004994, HP:0001638. Inheritance: Various modes of inheritance.

Allele frequency attached by ClinVar (database versions not stated): gnomAD 0.00001; TOPMed 0.00001; ExAC 0.00004.
gnomAD v4.1: 24 of 1,611,512 alleles (0.0015%); highest among the groups gnomAD compares: Admixed American, 0.0034%; no homozygotes.

Submissions (6):

Labcorp Genetics (formerly Invitae), Labcorp
Classification: Uncertain significance for Hypertrophic cardiomyopathy. Last evaluated: 2025-11-16. Review status: criteria provided, single submitter. Criteria: Invitae Variant Classification Sherloc (09022015). Collection method: clinical testing. Allele origin: germline.
Comment: This sequence change replaces leucine, which is neutral and non-polar, with phenylalanine, which is neutral and non-polar, at codon 455 of the MYBPC3 protein (p.Leu455Phe). This variant is present in population databases (rs747686377, gnomAD 0.003%). This missense change has been observed in individual(s) with hypertrophic cardiomyopathy (PMID: 24111713, 34555931). ClinVar contains an entry for this variant (Variation ID: 802675). An algorithm developed to predict the effect of missense changes on protein structure and function (PolyPhen-2) suggests that this variant is likely to be disruptive. In summary, the available evidence is currently insufficient to determine the role of this variant in disease. Therefore, it has been classified as a Variant of Uncertain Significance.

Ambry Genetics
Classification: Uncertain significance for Cardiovascular phenotype. Last evaluated: 2024-08-29. Review status: criteria provided, single submitter. Criteria: Ambry Variant Classification Scheme 2023. Collection method: clinical testing. Allele origin: germline.
Comment: The p.L455F variant (also known as c.1363C>T), located in coding exon 16 of the MYBPC3 gene, results from a C to T substitution at nucleotide position 1363. The leucine at codon 455 is replaced by phenylalanine, an amino acid with highly similar properties. This variant was identified in a cohort of Norwegian individuals with hypertrophic cardiomyopathy (Berge KE et al. Clin. Genet., 2014 Oct;86:355-60). This amino acid position is well conserved in available vertebrate species. In addition, this alteration is predicted to be tolerated by in silico analysis. Based on available evidence to date, the clinical significance of this alteration remains unclear.

All of Us Research Program, National Institutes of Health
Classification: Uncertain significance for Hypertrophic cardiomyopathy. Last evaluated: 2024-05-14. Review status: criteria provided, single submitter. Criteria: ACMG Guidelines, 2015. Collection method: clinical testing. Allele origin: germline. Inheritance: Autosomal dominant inheritance. Observed: 10 variant alleles, 10 heterozygotes.
Comment: This missense variant replaces leucine with phenylalanine at codon 455 of the MYBPC3 protein. Computational prediction is inconclusive regarding the impact of this variant on protein structure and function (internally defined REVEL score threshold 0.5 < inconclusive < 0.7, PMID: 27666373). To our knowledge, functional studies have not been reported for this variant. This variant has been reported in individuals affected with hypertrophic cardiomyopathy (PMID: 24111713, 34555931). It has been shown that this variant segregates with disease in two affected individuals in one family (PMID: 34555931). This variant has been identified in 4/244114 chromosomes in the general population by the Genome Aggregation Database (gnomAD). The available evidence is insufficient to determine the role of this variant in disease conclusively. Therefore, this variant is classified as a Variant of Uncertain Significance.

This study involves interpretation of variants in research participants for the purpose of population health screening. Participant phenotype was not available at the time of variant classification. Additional details can be found in publication PMID: 35346344, PMCID: PMC8962531

Color Diagnostics, LLC DBA Color Health
Classification: Uncertain significance for Cardiomyopathy. Last evaluated: 2024-05-06. Review status: criteria provided, single submitter. Criteria: ACMG Guidelines, 2015. Collection method: clinical testing. Allele origin: germline.
Comment: This missense variant replaces leucine with phenylalanine at codon 455 of the MYBPC3 protein. Computational prediction is inconclusive regarding the impact of this variant on protein structure and function (internally defined REVEL score threshold 0.5 < inconclusive < 0.7, PMID: 27666373). To our knowledge, functional studies have not been reported for this variant. This variant has been reported in individuals affected with hypertrophic cardiomyopathy (PMID: 24111713, 34555931). It has been shown that this variant segregates with disease in two affected individuals in one family (PMID: 34555931). This variant has been identified in 4/244114 chromosomes in the general population by the Genome Aggregation Database (gnomAD). The available evidence is insufficient to determine the role of this variant in disease conclusively. Therefore, this variant is classified as a Variant of Uncertain Significance.

Fulgent Genetics
Classification: Uncertain significance for Hypertrophic cardiomyopathy 4; Left ventricular noncompaction 10. Last evaluated: 2022-04-05. Review status: criteria provided, single submitter. Criteria: ACMG Guidelines, 2015. Collection method: clinical testing. Allele origin: unknown.

Mendelics
Classification: Uncertain significance for Hypertrophic cardiomyopathy 4. Last evaluated: 2019-05-28. Review status: criteria provided, single submitter. Criteria: Mendelics Assertion Criteria 2017. Collection method: clinical testing. Allele origin: unknown.

Literature cited by the submitters: PubMed 24111713 (cited by 4 submitters); PubMed 34555931 (cited by 3 submitters).